The following is an entry in ClinVar:

NM_005022.4(PFN1):c.*4C>T

Gene: PFN1 (profilin 1; minus strand). Cytogenetic location: 17p13.2.
Variant type: single nucleotide variant.
Coding change: c.*4C>T on transcript NM_005022.4 (MANE Select); 4 bases downstream of the stop codon, C replaced by T.
Molecular consequence: 3 prime UTR variant.
Genome position (GRCh38, 1-based): chr17:4,945,896, G>A on the plus strand (C>T on the coding strand, the complement: PFN1 is on the minus strand). VCF-style: chr17-4945896-G-A. GRCh37 (hg19) VCF-style: chr17-4849191-G-A.
Other names: c.*511C>T (NM_001375991.1).
Identifiers: ClinVar variation 3350705 (VCV003350705.1).

ClinVar aggregate classification (germline): Likely benign (0 of 4 stars; one submission).

Conditions:
PFN1-related disorder. Also called: PFN1-related condition.

gnomAD v4.1: 26 of 1,557,972 alleles (0.0017%); highest among the groups gnomAD compares: Middle Eastern, 0.017%; no homozygotes.

Submission:

PreventionGenetics, part of Exact Sciences
Classification: Likely benign for PFN1-related condition. Last evaluated: 2023-12-31. Review status: no assertion criteria provided. Collection method: clinical testing. Allele origin: germline.
Comment: This variant is classified as likely benign based on ACMG/AMP sequence variant interpretation guidelines (Richards et al. 2015 PMID: 25741868, with internal and published modifications).